The following is an entry in ClinVar:

NM_080605.4(B3GALT6):c.909G>A (p.Glu303=)

Gene: B3GALT6 (beta-1,3-galactosyltransferase 6; plus strand). Cytogenetic location: 1p36.33.
Variant type: single nucleotide variant.
Coding change: c.909G>A on transcript NM_080605.4 (MANE Select); coding-DNA position 909, G replaced by A.
Protein change: p.Glu303=; no amino-acid change (glutamic acid 303 retained).
Molecular consequence: synonymous variant.
Genome position (GRCh38, 1-based): chr1:1,233,187, G>A. VCF-style: chr1-1233187-G-A. GRCh37 (hg19) VCF-style: chr1-1168567-G-A.
Other names: p.Glu303=.
Identifiers: ClinVar variation 193477 (VCV000193477.19), dbSNP rs368507303, ClinGen allele CA200609.

ClinVar aggregate classification (germline): Benign/Likely benign. Review status: criteria provided, multiple submitters, no conflicts (2 of 4 stars). 7 submissions from 7 submitters: Benign (1); Likely benign (5). 1 of the submissions does not count toward it. Last evaluated 2026-06-29.

Conditions:
Ehlers-Danlos syndrome, spondylodysplastic type, 2 (EDSSPD2). Also called: Ehlers-Danlos syndrome, progeroid type, 2. Identifiers: Orphanet 536467, Orphanet 75496, MedGen C3809210, MONDO:0014139, OMIM 615349.
Spondyloepimetaphyseal dysplasia with joint laxity (SEMDJL). Identifiers: MedGen C0432243, MONDO:0019675.
B3GALT6-related disorder. Also called: B3GALT6-related condition.

Allele frequency attached by ClinVar (database versions not stated): gnomAD exomes 0.00042; ESP Exome Variant Server 0.00075; ExAC 0.00101; gnomAD 0.00190 and 0.00174; TOPMed 0.00197; 1000 Genomes Project 0.00180; 1000 Genomes Project 30x 0.00187.
gnomAD v4.1: 503 of 1,542,928 alleles (0.033%); highest among the groups gnomAD compares: African/African-American, 0.59%; 1 homozygote.

Submissions (7):

Women's Health and Genetics/Laboratory Corporation of America, LabCorp
Classification: Likely benign. Last evaluated: 2026-06-29. Review status: criteria provided, single submitter. Criteria: LabCorp Variant Classification Summary - May 2015. Collection method: clinical testing. Allele origin: germline.

Labcorp Genetics (formerly Invitae), Labcorp
Classification: Benign for Ehlers-Danlos syndrome, spondylodysplastic type, 2; Spondyloepimetaphyseal dysplasia with joint laxity. Last evaluated: 2026-01-20. Review status: criteria provided, single submitter. Criteria: Invitae Variant Classification Sherloc (09022015). Collection method: clinical testing. Allele origin: germline.

Mayo Clinic Laboratories, Mayo Clinic
Classification: Likely benign. Last evaluated: 2025-08-19. Review status: criteria provided, single submitter. Criteria: ACMG Guidelines, 2015. Collection method: clinical testing. Allele origin: germline. Observed: 4 variant alleles.
Comment: BS1, BP4, BP7

Blueprint Genetics
Classification: Likely benign. Last evaluated: 2024-09-11. Review status: criteria provided, single submitter. Criteria: ACMG Guidelines, 2015. Collection method: clinical testing. Allele origin: germline.

GeneDx
Classification: Likely benign. Last evaluated: 2020-09-08. Review status: criteria provided, single submitter. Criteria: GeneDx Variant Classification Process June 2021. Collection method: clinical testing. Allele origin: germline. Affected: yes.

Eurofins Ntd Llc (ga)
Classification: Likely benign. Last evaluated: 2015-02-10. Review status: criteria provided, single submitter. Criteria: EGL Classification Definitions 2015. Collection method: clinical testing. Allele origin: germline. Observed: 1 variant allele, 1 heterozygote.

PreventionGenetics, part of Exact Sciences
Classification: Likely benign for B3GALT6-related condition. Last evaluated: 2024-03-29. Review status: no assertion criteria provided. Collection method: clinical testing. Allele origin: germline. Not counted in ClinVar's aggregate classification.
Comment: This variant is classified as likely benign based on ACMG/AMP sequence variant interpretation guidelines (Richards et al. 2015 PMID: 25741868, with internal and published modifications).